The following is an entry in ClinVar:

NM_001614.5(ACTG1):c.131T>A (p.Met44Lys)

Gene: ACTG1 (actin gamma 1; minus strand). Cytogenetic location: 17q25.3.
Variant type: single nucleotide variant.
Coding change: c.131T>A on transcript NM_001614.5 (MANE Select); coding-DNA position 131, T replaced by A.
Protein change: p.Met44Lys; replaces methionine 44 with lysine.
Molecular consequence: missense variant. On other transcripts: non-coding transcript variant (1).
Genome position (GRCh38, 1-based): chr17:81,512,135, A>T on the plus strand (T>A on the coding strand, the complement: ACTG1 is on the minus strand). VCF-style: chr17-81512135-A-T. GRCh37 (hg19) VCF-style: chr17-79479161-A-T.
Other names: c.131T>A, p.Met44Lys (NM_001199954.3); short protein forms M44K.
Identifiers: ClinVar variation 279955 (VCV000279955.2), dbSNP rs886041280, ClinGen allele CA10603616.

ClinVar aggregate classification (germline): Likely pathogenic (1 of 4 stars; one submission).

Submission:

GeneDx
Classification: Likely pathogenic. Last evaluated: 2015-06-05. Review status: criteria provided, single submitter. Criteria: GeneDx Variant Classification (06012015). Collection method: clinical testing. Allele origin: germline. Affected: yes.
Comment: The M44K variant in the ACTG1 gene has not been published as a pathogenic variant, nor has it been reported as a benign polymorphism to our knowledge. The M44K variant was not observed in approximately 6500 individuals of European and African American ancestry in the NHLBI Exome Sequencing Project, indicating it is not a common benign variant in these populations. The M44K variant is a non-conservative amino acid substitution, which is likely to impact secondary protein structure as these residues differ in polarity, charge, size and/or other properties. This substitution occurs at a position that is conserved across species. In silico analysis is inconsistent in its predictions as to whether or not the variant is damaging to the protein structure/function. Missense variants in nearby residues (D51N) have been reported in the Human Gene Mutation Database in association with autosomal dominant progressive deafness (Stenson et al., 2014), supporting the functional importance of this region of the protein.